The following is an entry in ClinVar:

NM_000551.4(VHL):c.203C>A (p.Ser68Ter)

Gene: VHL (von Hippel-Lindau tumor suppressor; plus strand). Cytogenetic location: 3p25.3.
Variant type: single nucleotide variant.
Coding change: c.203C>A on transcript NM_000551.4 (MANE Select); coding-DNA position 203, C replaced by A.
Protein change: p.Ser68Ter; replaces serine 68 with a stop codon.
Molecular consequence: nonsense.
Genome position (GRCh38, 1-based): chr3:10,142,050, C>A. VCF-style: chr3-10142050-C-A. GRCh37 (hg19) VCF-style: chr3-10183734-C-A.
Other names: c.203C>A, p.Ser68Ter (NM_001354723.2, NM_198156.3); short protein forms S68*.
Identifiers: ClinVar variation 223162 (VCV000223162.9), dbSNP rs869025617, ClinGen allele CA357051.

ClinVar aggregate classification (germline): Pathogenic. Review status: criteria provided, multiple submitters, no conflicts (2 of 4 stars). 3 submissions from 3 submitters: Pathogenic (2). 1 of the submissions does not count toward it. Last evaluated 2025-06-22.

Conditions:
Von Hippel-Lindau syndrome (VHLS). Also called: Von Hippel-Lindau; von Hippel–Lindau syndrome; VHL syndrome. Identifiers: Orphanet 892, MedGen C0019562, MONDO:0008667, OMIM 193300. Disease mechanism: loss of function.
Chuvash polycythemia. Also called: POLYCYTHEMIA, VHL-DEPENDENT. Identifiers: Orphanet 238557, MedGen C1837915, MONDO:0009892, OMIM 263400.
Hereditary cancer-predisposing syndrome. Also called: Tumor predisposition; Hereditary neoplastic syndrome; Neoplastic Syndromes, Hereditary; Hereditary Cancer Syndrome. Identifiers: Orphanet 140162, MedGen C0027672, MeSH D009386, MONDO:0015356.

Submissions (3):

Labcorp Genetics (formerly Invitae), Labcorp
Classification: Pathogenic for Von Hippel-Lindau syndrome; Chuvash polycythemia. Last evaluated: 2025-06-22. Review status: criteria provided, single submitter. Criteria: Invitae Variant Classification Sherloc (09022015). Collection method: clinical testing. Allele origin: germline.
Comment: This sequence change creates a premature translational stop signal (p.Ser68*) in the VHL gene. It is expected to result in an absent or disrupted protein product. Loss-of-function variants in VHL are known to be pathogenic (PMID: 8956040, 12202531). This variant is not present in population databases (gnomAD no frequency). This variant has not been reported in the literature in individuals affected with VHL-related conditions. ClinVar contains an entry for this variant (Variation ID: 223162). For these reasons, this variant has been classified as Pathogenic.

Ambry Genetics
Classification: Pathogenic for Hereditary cancer-predisposing syndrome. Last evaluated: 2024-11-14. Review status: criteria provided, single submitter. Criteria: Ambry Variant Classification Scheme 2023. Collection method: clinical testing. Allele origin: germline.
Comment: The p.S68* pathogenic mutation (also known as c.203C>A), located in coding exon 1 of the VHL gene, results from a C to A substitution at nucleotide position 203. This changes the amino acid from a serine to a stop codon within coding exon 1. This variant is considered to be rare based on population cohorts in the Genome Aggregation Database (gnomAD). This alteration is expected to result in loss of function by premature protein truncation or nonsense-mediated mRNA decay. As such, this alteration is interpreted as a disease-causing mutation.

Genomic Diagnostic Laboratory, Division of Genomic Diagnostics, Children's Hospital of Philadelphia
Classification: Pathogenic for Von Hippel-Lindau syndrome. Last evaluated: 2016-02-26. Review status: no assertion criteria provided. Collection method: clinical testing. Allele origin: germline. Affected: yes. Observed: 1 variant allele. Not counted in ClinVar's aggregate classification.

Literature cited by the submitters: PubMed 8956040 (cited by Labcorp Genetics (formerly Invitae), Labcorp); PubMed 12202531 (cited by Labcorp Genetics (formerly Invitae), Labcorp).